The following is an entry in ClinVar:

ClinVar aggregate classification (germline): Pathogenic (1 of 4 stars; one submission).

Conditions:
PRPH2-related disorder. Also called: PRPH2-related condition; PRPH2-related disorders. Identifiers: MedGen CN239395.

Submission:

Labcorp Genetics (formerly Invitae), Labcorp
Classification: Pathogenic for PRPH2-related disorder. Last evaluated: 2022-07-19. Review status: criteria provided, single submitter. Criteria: Invitae Variant Classification Sherloc (09022015). Collection method: clinical testing. Allele origin: germline.
Comment: For these reasons, this variant has been classified as Pathogenic. This variant has not been reported in the literature in individuals affected with PRPH2-related conditions. This variant is not present in population databases (gnomAD no frequency). This sequence change creates a premature translational stop signal (p.Ile111Serfs*28) in the PRPH2 gene. It is expected to result in an absent or disrupted protein product. Loss-of-function variants in PRPH2 are known to be pathogenic (PMID: 8111389, 8485575, 8485576, 8675410, 16916875, 17504850, 25675413, 26061163, 27365499, 29555955).

Literature cited by the submitters: PubMed 8111389; PubMed 8485575; PubMed 8485576; PubMed 8675410; PubMed 16916875; PubMed 17504850; PubMed 25675413; PubMed 26061163; PubMed 27365499; PubMed 29555955.

NM_000322.5(PRPH2):c.330del (p.Ile111fs)

Gene: PRPH2 (peripherin 2; minus strand). Cytogenetic location: 6p21.1.
Variant type: Deletion.
Coding change: c.330del on transcript NM_000322.5 (MANE Select); coding-DNA position 330, one base deleted (C; older notation c.330delC).
Protein change: p.Ile111fs; shifts the reading frame from isoleucine 111.
Molecular consequence: frameshift variant.
Genome position (GRCh38, 1-based): chr6:42,722,005, G deleted on the plus strand (C on the coding strand, the reverse complement: PRPH2 is on the minus strand). VCF-style (leftmost placement, unchanged base first): chr6-42722004-TG-T. GRCh37 (hg19) VCF-style: chr6-42689742-TG-T.
Other names: short protein forms I111fs.
Identifiers: ClinVar variation 2018062 (VCV002018062.4), dbSNP rs2548309755, ClinGen allele CA2580074530.